The following is an entry in ClinVar:

NM_000517.6(HBA2):c.421T>C (p.Tyr141His)

Genes: HBA2 (hemoglobin subunit alpha 2; plus strand), LOC106804612 (hemoglobin subunit alpha 2 recombination region; plus strand). Cytogenetic location: 16p13.3.
Variant type: single nucleotide variant.
Coding change: c.421T>C on transcript NM_000517.6 (MANE Select); coding-DNA position 421, T replaced by C.
Protein change: p.Tyr141His; replaces tyrosine 141 with histidine.
Molecular consequence: missense variant.
Genome position (GRCh38, 1-based): chr16:173,592, T>C. VCF-style: chr16-173592-T-C. GRCh37 (hg19) VCF-style: chr16-223591-T-C.
Other names: short protein forms Y141H.
Identifiers: ClinVar variation 2681967 (VCV002681967.1), dbSNP rs55870409, ClinGen allele CA276415549.

ClinVar aggregate classification (germline): Likely pathogenic (1 of 4 stars; one submission).

Allele frequency attached by ClinVar (database versions not stated): TOPMed below 0.00001; gnomAD 0.00001.

Submission:

Quest Diagnostics Nichols Institute San Juan Capistrano
Classification: Likely pathogenic. Last evaluated: 2023-05-31. Review status: criteria provided, single submitter. Criteria: Quest Diagnostics criteria. Collection method: clinical testing. Allele origin: unknown.
Comment: The variant was also reported in the baby's father who is described as having normal hematological parameters, though with an elevated MCV (PMID: 1428951 (1992)). This variant results in decreased Bohr effect, decreased cooperativity, and increased oxygen affinity. The frequency of this variant in the general population, 0.0000067 (1/148948 chromosomes (Genome Aggregation Database)), is consistent with pathogenicity. Analysis of this variant using bioinformatics tools for the prediction of the effect of amino acid changes on protein structure and function yielded predictions that this variant is damaging. Based on the available information, this variant is classified as likely pathogenic.

Literature cited by the submitters: PubMed 32420790; PubMed 1428951; PubMed 1390944; PubMed 8117715; PubMed 24200101; PubMed 21974826; PubMed 9930984; PubMed 11132645; PubMed 16368110.